The following is an entry in ClinVar:

ClinVar aggregate classification (germline): Uncertain significance. Review status: criteria provided, multiple submitters, no conflicts (2 of 4 stars). 2 submissions from 2 submitters: Uncertain significance (2). Last evaluated 2025-10-21.

Conditions:
Inborn genetic diseases. Identifiers: MedGen C0950123, MeSH D030342.

gnomAD v4.1: 17 of 1,614,004 alleles (0.0011%); highest among the groups gnomAD compares: African/African-American, 0.0027%; no homozygotes.

Submissions (2):

Labcorp Genetics (formerly Invitae), Labcorp
Classification: Uncertain significance. Last evaluated: 2025-10-21. Review status: criteria provided, single submitter. Criteria: Invitae Variant Classification Sherloc (09022015). Collection method: clinical testing. Allele origin: germline.
Comment: This sequence change replaces valine, which is neutral and non-polar, with methionine, which is neutral and non-polar, at codon 944 of the INSR protein (p.Val944Met). This variant is present in population databases (rs753371466, gnomAD 0.003%). This variant has not been reported in the literature in individuals affected with INSR-related conditions. ClinVar contains an entry for this variant (Variation ID: 3286161). Invitae Evidence Modeling of protein sequence and biophysical properties (such as structural, functional, and spatial information, amino acid conservation, physicochemical variation, residue mobility, and thermodynamic stability) indicates that this missense variant is not expected to disrupt INSR protein function with a negative predictive value of 95%. In summary, the available evidence is currently insufficient to determine the role of this variant in disease. Therefore, it has been classified as a Variant of Uncertain Significance.

Ambry Genetics
Classification: Uncertain significance for Inborn genetic diseases. Last evaluated: 2024-03-25. Review status: criteria provided, single submitter. Criteria: Ambry Variant Classification Scheme 2023. Collection method: clinical testing. Allele origin: germline.

NM_000208.4(INSR):c.2830G>A (p.Val944Met)

Gene: INSR (insulin receptor; minus strand). Cytogenetic location: 19p13.2.
Variant type: single nucleotide variant.
Coding change: c.2830G>A on transcript NM_000208.4 (MANE Select); coding-DNA position 2830, G replaced by A.
Protein change: p.Val944Met; replaces valine 944 with methionine.
Molecular consequence: missense variant.
Genome position (GRCh38, 1-based): chr19:7,132,170, C>T on the plus strand (G>A on the coding strand, the complement: INSR is on the minus strand). VCF-style: chr19-7132170-C-T. GRCh37 (hg19) VCF-style: chr19-7132181-C-T.
Other names: c.2794G>A, p.Val932Met (NM_001079817.3); short protein forms V944M, V932M.
Identifiers: ClinVar variation 3286161 (VCV003286161.3).